The following is an entry in ClinVar:

ClinVar aggregate classification (germline): Likely benign. Review status: criteria provided, multiple submitters, no conflicts (2 of 4 stars). 2 submissions from 2 submitters: Likely benign (2). Last evaluated 2025-04-01.

Allele frequency attached by ClinVar (database versions not stated): TOPMed 0.00002.
gnomAD v4.1: 1 of 1,612,936 alleles (0.000062%); no homozygotes.

Submissions (2):

Labcorp Genetics (formerly Invitae), Labcorp
Classification: Likely benign. Last evaluated: 2025-04-01. Review status: criteria provided, single submitter. Criteria: Invitae Variant Classification Sherloc (09022015). Collection method: clinical testing. Allele origin: germline.

GeneDx
Classification: Likely benign. Last evaluated: 2017-11-13. Review status: criteria provided, single submitter. Criteria: GeneDx Variant Classification (06012015). Collection method: clinical testing. Allele origin: germline. Affected: yes.
Comment: This variant is considered likely benign or benign based on one or more of the following criteria: it is a conservative change, it occurs at a poorly conserved position in the protein, it is predicted to be benign by multiple in silico algorithms, and/or has population frequency not consistent with disease.

NM_001854.4(COL11A1):c.1635G>A (p.Gly545=)

Gene: COL11A1 (collagen type XI alpha 1 chain; minus strand). Cytogenetic location: 1p21.1.
Variant type: single nucleotide variant.
Coding change: c.1635G>A on transcript NM_001854.4 (MANE Select); coding-DNA position 1635, G replaced by A.
Protein change: p.Gly545=; no amino-acid change (glycine 545 retained).
Molecular consequence: synonymous variant. On other transcripts: non-coding transcript variant (1).
Genome position (GRCh38, 1-based): chr1:103,008,511, C>T on the plus strand (G>A on the coding strand, the complement: COL11A1 is on the minus strand). VCF-style: chr1-103008511-C-T. GRCh37 (hg19) VCF-style: chr1-103474067-C-T.
Other names: c.1518G>A, p.Gly506= (NM_001190709.2); c.1671G>A, p.Gly557= (NM_080629.3); c.1287G>A, p.Gly429= (NM_080630.4).
Identifiers: ClinVar variation 513320 (VCV000513320.2), dbSNP rs746478999, ClinGen allele CA974896.